The following is an entry in ClinVar:

NM_001754.5(RUNX1):c.*4250C>T

Gene: RUNX1 (RUNX family transcription factor 1; minus strand). Cytogenetic location: 21q22.12.
Variant type: single nucleotide variant.
Coding change: c.*4250C>T on transcript NM_001754.5 (MANE Select); 4250 bases downstream of the stop codon, C replaced by T.
Molecular consequence: 3 prime UTR variant.
Genome position (GRCh38, 1-based): chr21:34,787,885, G>A on the plus strand (C>T on the coding strand, the complement: RUNX1 is on the minus strand). VCF-style: chr21-34787885-G-A. GRCh37 (hg19) VCF-style: chr21-36160182-G-A.
Other names: c.*4250C>T (NM_001001890.3, NM_001754.4).
Identifiers: ClinVar variation 339792 (VCV000339792.6), dbSNP rs186103543, ClinGen allele CA10644601.

ClinVar aggregate classification (germline): Benign. Review status: reviewed by expert panel (3 of 4 stars). 2 submissions from 2 submitters: Benign (1). 1 of the submissions does not count toward it. Last evaluated 2020-05-13.

Conditions:
Hereditary thrombocytopenia and hematologic cancer predisposition syndrome. Identifiers: Orphanet 71290, MedGen CN281654, MONDO:0011071.
Hereditary thrombocytopenia and hematological cancer predisposition syndrome associated with RUNX1. Also called: PLATELET DISORDER, ASPIRIN-LIKE; RUNX1 Familial Platelet Disorder with Associated Myeloid Malignancies; Familial Platelet Disorder with Propensity to Acute Myelogenous Leukemia; Familial thrombocytopenia with propensity to acute myelogenous leukemia. Identifiers: Orphanet 71290, MedGen C1832388, MeSH C563324, MONDO:0100083, OMIM 601399.

Allele frequency attached by ClinVar (database versions not stated): TOPMed 0.00069; gnomAD exomes 0.00100; gnomAD 0.00110 and 0.00111; 1000 Genomes Project 30x 0.00031; 1000 Genomes Project 0.00040.
gnomAD v4.1: 242 of 233,312 alleles (0.1%); highest among the groups gnomAD compares: Non-Finnish European, 0.15%; 1 homozygote.

Submissions (2):

ClinGen Myeloid Malignancy Variant Curation Expert Panel
Classification: Benign for Hereditary thrombocytopenia and hematologic cancer predisposition syndrome. Last evaluated: 2020-05-13. Review status: reviewed by expert panel. Criteria: ClinGen MyeloMalig ACMG Specifications v1. Collection method: curation. Allele origin: germline. Inheritance: Autosomal dominant inheritance.
Comment: The c.*4250C>T variant in the 3' UTR has an MAF of 0.002009 (0.2%, 31/15430 alleles) in the non-Finnish European subpopulation of the gnomAD v2.1.1 cohort and is >= 0.0015 (0.15%) (BA1). This variant is detected in a homozygous state in 1 individual in the gnomAD v2.1.1 population database (BP2). In summary, this variant meets criteria to be classified as benign. ACMG/AMP criteria applied, as specified by the Myeloid Malignancy Variant Curation Expert Panel for RUNX1: BA1, BP2.

Illumina Laboratory Services, Illumina
Classification: Benign for Hereditary thrombocytopenia and hematological cancer predisposition syndrome associated with RUNX1. Last evaluated: 2018-01-13. Review status: criteria provided, single submitter. Criteria: ICSL Variant Classification Criteria 13 December 2019. Collection method: clinical testing. Allele origin: germline. Not counted in ClinVar's aggregate classification.
Comment: This variant was observed in the ICSL laboratory as part of a predisposition screen in an ostensibly healthy population. It had not been previously curated by ICSL or reported in the Human Gene Mutation Database (HGMD: prior to June 1st, 2018), and was therefore a candidate for classification through an automated scoring system. Utilizing variant allele frequency, disease prevalence and penetrance estimates, and inheritance mode, an automated score was calculated to assess if this variant is too frequent to cause the disease. Based on the score and internal cut-off values, a variant classified as benign is not then subjected to further curation. The score for this variant resulted in a classification of benign for this disease.